The following is an entry in ClinVar:

NM_032341.5(DDI2):c.1116T>C (p.Asp372=)

Gene: DDI2 (DDI proteasomal shuttling factor 2; plus strand). Cytogenetic location: 1p36.21.
Variant type: single nucleotide variant.
Coding change: c.1116T>C on transcript NM_032341.5 (MANE Select); coding-DNA position 1116, T replaced by C.
Protein change: p.Asp372=; no amino-acid change (aspartic acid 372 retained).
Molecular consequence: synonymous variant.
Genome position (GRCh38, 1-based): chr1:15,651,828, T>C. VCF-style: chr1-15651828-T-C. GRCh37 (hg19) VCF-style: chr1-15978323-T-C.
Identifiers: ClinVar variation 2638294 (VCV002638294.24), dbSNP rs2522067714, ClinGen allele CA416202775.

ClinVar aggregate classification (germline): Likely benign (1 of 4 stars; one submission).

Submission:

CeGaT Center for Human Genetics Tuebingen
Classification: Likely benign. Last evaluated: 2023-03-01. Review status: criteria provided, single submitter. Criteria: CeGaT Center For Human Genetics Tuebingen Variant Classification Criteria Version 2. Collection method: clinical testing. Allele origin: germline. Affected: yes. Observed: 1 variant allele.
Comment: DDI2: PM2:Supporting, BP4, BP7